The following is an entry in ClinVar:

NM_000338.3(SLC12A1):c.1411C>T (p.Arg471Ter)

Gene: SLC12A1 (solute carrier family 12 member 1; plus strand). Cytogenetic location: 15q21.1.
Variant type: single nucleotide variant.
Coding change: c.1411C>T on transcript NM_000338.3 (MANE Select); coding-DNA position 1411, C replaced by T.
Protein change: p.Arg471Ter; replaces arginine 471 with a stop codon.
Molecular consequence: nonsense.
Genome position (GRCh38, 1-based): chr15:48,244,863, C>T. VCF-style: chr15-48244863-C-T. GRCh37 (hg19) VCF-style: chr15-48537060-C-T.
Other names: c.1411C>T, p.Arg471Ter (NM_001184832.2, NM_001384136.1); short protein forms R471*.
Identifiers: ClinVar variation 2736215 (VCV002736215.4), dbSNP rs761459796, ClinGen allele CA7547073.

ClinVar aggregate classification (germline): Pathogenic. Review status: criteria provided, multiple submitters, no conflicts (2 of 4 stars). 2 submissions from 2 submitters: Pathogenic (2). Last evaluated 2024-04-16.

Conditions:
Bartter disease type 1. Also called: HYPOKALEMIC ALKALOSIS WITH HYPERCALCIURIA 1, ANTENATAL; HYPERPROSTAGLANDIN E SYNDROME 1; Bartter syndrome, type 1, antenatal; Bartter Syndrome type 1. Identifiers: Orphanet 112, Orphanet 620217, MedGen C1866495, MONDO:0100344, OMIM 601678, MONDO:0011127.

Allele frequency attached by ClinVar (database versions not stated): gnomAD 0.00001; gnomAD exomes 0.00001; ExAC 0.00002.
gnomAD v4.1: 9 of 1,613,646 alleles (0.00056%); highest among the groups gnomAD compares: East Asian, 0.0089%; no homozygotes.

Submissions (2):

Fulgent Genetics
Classification: Pathogenic for Bartter disease type 1. Last evaluated: 2024-04-16. Review status: criteria provided, single submitter. Criteria: ACMG Guidelines, 2015. Collection method: clinical testing. Allele origin: germline.

Labcorp Genetics (formerly Invitae), Labcorp
Classification: Pathogenic. Last evaluated: 2023-11-01. Review status: criteria provided, single submitter. Criteria: Invitae Variant Classification Sherloc (09022015). Collection method: clinical testing. Allele origin: germline.
Comment: This sequence change creates a premature translational stop signal (p.Arg471*) in the SLC12A1 gene. It is expected to result in an absent or disrupted protein product. Loss-of-function variants in SLC12A1 are known to be pathogenic (PMID: 8640224, 9585600, 19096086). This variant is present in population databases (rs761459796, gnomAD 0.02%). This premature translational stop signal has been observed in individual(s) with clinical features of Bartter syndrome type 1 (PMID: 21631963, 30790175, 31328266). Algorithms developed to predict the effect of sequence changes on RNA splicing suggest that this variant may disrupt the consensus splice site. For these reasons, this variant has been classified as Pathogenic.

Literature cited by the submitters: PubMed 8640224 (cited by Labcorp Genetics (formerly Invitae), Labcorp); PubMed 9585600 (cited by Labcorp Genetics (formerly Invitae), Labcorp); PubMed 19096086 (cited by Labcorp Genetics (formerly Invitae), Labcorp); PubMed 21631963 (cited by Labcorp Genetics (formerly Invitae), Labcorp); PubMed 30790175 (cited by Labcorp Genetics (formerly Invitae), Labcorp); PubMed 31328266 (cited by Labcorp Genetics (formerly Invitae), Labcorp).